The following is an entry in ClinVar:

ClinVar aggregate classification (germline): Uncertain significance (1 of 4 stars; one submission).

Allele frequency attached by ClinVar (database versions not stated): ExAC 0.00001; ESP Exome Variant Server 0.00008.

Submission:

Labcorp Genetics (formerly Invitae), Labcorp
Classification: Uncertain significance. Last evaluated: 2022-03-11. Review status: criteria provided, single submitter. Criteria: Invitae Variant Classification Sherloc (09022015). Collection method: clinical testing. Allele origin: germline.
Comment: This sequence change replaces alanine, which is neutral and non-polar, with serine, which is neutral and polar, at codon 5048 of the USH2A protein (p.Ala5048Ser). This variant is present in population databases (rs371182500, gnomAD 0.0009%). This variant has not been reported in the literature in individuals affected with USH2A-related conditions. Algorithms developed to predict the effect of missense changes on protein structure and function (SIFT, PolyPhen-2, Align-GVGD) all suggest that this variant is likely to be tolerated. In summary, the available evidence is currently insufficient to determine the role of this variant in disease. Therefore, it has been classified as a Variant of Uncertain Significance.

NM_206933.4(USH2A):c.15142G>T (p.Ala5048Ser)

Gene: USH2A (usherin; minus strand). Cytogenetic location: 1q41.
Variant type: single nucleotide variant.
Coding change: c.15142G>T on transcript NM_206933.4 (MANE Select); coding-DNA position 15142, G replaced by T.
Protein change: p.Ala5048Ser; replaces alanine 5048 with serine.
Molecular consequence: missense variant.
Genome position (GRCh38, 1-based): chr1:215,634,614, C>A on the plus strand (G>T on the coding strand, the complement: USH2A is on the minus strand). VCF-style: chr1-215634614-C-A. GRCh37 (hg19) VCF-style: chr1-215807956-C-A.
Other names: short protein forms A5048S.
Identifiers: ClinVar variation 2415352 (VCV002415352.3), dbSNP rs371182500, ClinGen allele CA1392779.